The following is an entry in ClinVar:

NM_001330078.2(NRXN1):c.833-81462GT[17]

Gene: NRXN1 (neurexin 1; minus strand). Cytogenetic location: 2p16.3.
Variant type: Microsatellite.
Coding change: c.833-81462GT[17] on transcript NM_001330078.2 (MANE Select); 17 copies in a row of the 2-base unit GT starting at c.833-81462; the reference has 14 copies in a row; three copies, 6 bases duplicated.
Molecular consequence: intron variant.
Genome position (GRCh38, 1-based): chr2:50,705,050-50,705,055, ACACAC duplicated on the plus strand (GTGTGT on the coding strand, the reverse complement: NRXN1 is on the minus strand); duplicating any 6 consecutive bases within chr2:50,705,050-50,705,077 gives the same sequence; the position shown is the placement nearest the transcript's 3' end. VCF-style (leftmost placement, unchanged base first): chr2-50705049-A-AACACAC. GRCh37 (hg19) VCF-style: chr2-50932187-A-AACACAC.
Other names: c.773-81462GT[17] (NM_001330096.2, NM_001330087.2, NM_001330083.2 and 1 more transcripts); c.803-81462GT[17] (NM_001330088.2); c.830-81462GT[17] (NM_001330093.2); c.821-81462GT[17] (NM_001330094.2); c.833-81462GT[17] (NM_001330095.2, NM_001330082.2, NM_001330077.2 and 3 more transcripts); c.932-81462GT[17] (NM_001135659.3).
Identifiers: ClinVar variation 4084951 (VCV004084951.8).
Genomic context (GRCh38, chr2:50,705,049, plus strand): 5'-TTATGCAGCTTAATAACTTACGAATAAAACATTTGTTTACAATATATACACAGAAACACA[A>AACACAC]ACACACACACACACACACACACACACACCCATCCCCAGGAACTGCCGATTTCTAGCATAA-3'

ClinVar aggregate classification (germline): Likely benign (1 of 4 stars; one submission).

Submission:

CeGaT Center for Human Genetics Tuebingen
Classification: Likely benign. Last evaluated: 2026-04-01. Review status: criteria provided, single submitter. Criteria: CeGaT Center For Human Genetics Tuebingen Variant Classification Criteria Version 2. Collection method: clinical testing. Allele origin: germline. Affected: yes. Observed: 2 variant alleles.
Comment: NRXN1: BS1